The following is an entry in ClinVar:

NM_004247.4(EFTUD2):c.106-9_106-8delinsCC

Gene: EFTUD2 (elongation factor Tu GTP binding domain containing 2; minus strand). Cytogenetic location: 17q21.31.
Variant type: Indel.
Coding change: c.106-9_106-8delinsCC on transcript NM_004247.4 (MANE Select); 9 bases into the intron before coding-DNA position 106 through 8 bases into the intron before coding-DNA position 106, TG replaced by CC.
Molecular consequence: intron variant.
Genome position (GRCh38, 1-based): chr17:44,886,758-44,886,759, CA replaced by GG on the plus strand (TG replaced by CC on the coding strand, the reverse complement: EFTUD2 is on the minus strand). VCF-style: chr17-44886758-CA-GG. GRCh37 (hg19) VCF-style: chr17-42964126-CA-GG.
Other names: c.106-9_106-8delinsCC (NM_001258353.2, NM_001258354.2); c.1-9_1-8delinsCC (NM_001142605.2).
Identifiers: ClinVar variation 2960500 (VCV002960500.3), dbSNP rs2508845233, ClinGen allele CA2740093771.

ClinVar aggregate classification (germline): Uncertain significance (1 of 4 stars; one submission).

Submission:

Labcorp Genetics (formerly Invitae), Labcorp
Classification: Uncertain significance. Last evaluated: 2023-01-06. Review status: criteria provided, single submitter. Criteria: Invitae Variant Classification Sherloc (09022015). Collection method: clinical testing. Allele origin: germline.
Comment: In summary, the available evidence is currently insufficient to determine the role of this variant in disease. Therefore, it has been classified as a Variant of Uncertain Significance. This sequence change falls in intron 2 of the EFTUD2 gene. It does not directly change the encoded amino acid sequence of the EFTUD2 protein. Information on the frequency of this variant in the gnomAD database is not available, as this variant may be reported differently in the database. This variant has not been reported in the literature in individuals affected with EFTUD2-related conditions. Experimental studies and prediction algorithms are not available or were not evaluated, and the effect of this variant on mRNA splicing is currently unknown.